The following is an entry in ClinVar:

NM_020738.4(KIDINS220):c.1996A>C (p.Ile666Leu)

Gene: KIDINS220 (kinase D interacting substrate 220; minus strand). Cytogenetic location: 2p25.1.
Variant type: single nucleotide variant.
Coding change: c.1996A>C on transcript NM_020738.4 (MANE Select); coding-DNA position 1996, A replaced by C.
Protein change: p.Ile666Leu; replaces isoleucine 666 with leucine.
Molecular consequence: missense variant. On other transcripts: non-coding transcript variant (2).
Genome position (GRCh38, 1-based): chr2:8,785,974, T>G on the plus strand (A>C on the coding strand, the complement: KIDINS220 is on the minus strand). VCF-style: chr2-8785974-T-G. GRCh37 (hg19) VCF-style: chr2-8926104-T-G.
Other names: c.1999A>C, p.Ile667Leu (NM_001348729.2, NM_001348731.2, NM_001348734.2 and 3 more transcripts); c.1996A>C, p.Ile666Leu (NM_001348732.2, NM_001348735.2, NM_001348738.2 and 3 more transcripts); c.1870A>C, p.Ile624Leu (NM_001348736.2); short protein forms I624L, I666L, I667L.
Identifiers: ClinVar variation 3051668 (VCV003051668.3), dbSNP rs201244067, ClinGen allele CA1520059.
Genomic context (GRCh38, chr2:8,785,974, plus strand): 5'-GCTTTGGGTCAACTCTAAATATAGCCAGAAGAGTAATTCCAGATATAATGCAGCCAATGA[T>G]AAAAAGGAAGATGACAAAAGATGGGAGACAACATGTTTTTTTCCATTTCTTTTTACCTGT-3'
Protein context (NP_065789.1, residues 656-676): CLPSFVIFLF[Ile666Leu]IGCIISGITL

ClinVar aggregate classification (germline): Uncertain significance. Review status: criteria provided, single submitter (1 of 4 stars). 2 submissions from 2 submitters: Uncertain significance (1). 1 of the submissions does not count toward it. Last evaluated 2025-03-03.

Conditions:
KIDINS220-related disorder. Also called: KIDINS220-related condition.

Allele frequency attached by ClinVar (database versions not stated): ExAC 0.00002; gnomAD 0.00003; TOPMed 0.00003; 1000 Genomes Project 30x 0.00016; 1000 Genomes Project 0.00020.
gnomAD v4.1: 32 of 1,612,600 alleles (0.002%); highest among the groups gnomAD compares: Non-Finnish European, 0.0025%; no homozygotes.

Submissions (2):

Labcorp Genetics (formerly Invitae), Labcorp
Classification: Uncertain significance. Last evaluated: 2025-03-03. Review status: criteria provided, single submitter. Criteria: Invitae Variant Classification Sherloc (09022015). Collection method: clinical testing. Allele origin: germline.
Comment: This sequence change replaces isoleucine, which is neutral and non-polar, with leucine, which is neutral and non-polar, at codon 666 of the KIDINS220 protein (p.Ile666Leu). This variant is present in population databases (rs201244067, gnomAD 0.004%). This variant has not been reported in the literature in individuals affected with KIDINS220-related conditions. ClinVar contains an entry for this variant (Variation ID: 3051668). An algorithm developed to predict the effect of missense changes on protein structure and function outputs the following: PolyPhen-2: "Benign". The leucine amino acid residue is found in multiple mammalian species, which suggests that this missense change does not adversely affect protein function. In summary, the available evidence is currently insufficient to determine the role of this variant in disease. Therefore, it has been classified as a Variant of Uncertain Significance.

PreventionGenetics, part of Exact Sciences
Classification: Uncertain significance for KIDINS220-related condition. Last evaluated: 2023-11-16. Review status: no assertion criteria provided. Collection method: clinical testing. Allele origin: germline. Not counted in ClinVar's aggregate classification.
Comment: The KIDINS220 c.1996A>C variant is predicted to result in the amino acid substitution p.Ile666Leu. To our knowledge, this variant has not been reported in the literature. This variant is reported in 0.0041% of alleles in individuals of African descent in gnomAD. At this time, the clinical significance of this variant is uncertain due to the absence of conclusive functional and genetic evidence.